The following is an entry in ClinVar:

ClinVar aggregate classification (germline): Uncertain significance (1 of 4 stars; one submission).

gnomAD v4.1: 2 of 1,550,634 alleles (0.00013%); highest among the groups gnomAD compares: Admixed American, 0.002%; no homozygotes.

Submission:

GeneDx
Classification: Uncertain significance. Last evaluated: 2023-07-19. Review status: criteria provided, single submitter. Criteria: GeneDx Variant Classification Process June 2021. Collection method: clinical testing. Allele origin: germline. Affected: yes.
Comment: Not observed at significant frequency in large population cohorts (gnomAD); In silico analysis supports that this missense variant does not alter protein structure/function; Has not been previously published as pathogenic or benign to our knowledge

NM_001292063.2(OTOG):c.5297C>T (p.Pro1766Leu)

Gene: OTOG (otogelin; plus strand). Cytogenetic location: 11p15.1.
Variant type: single nucleotide variant.
Coding change: c.5297C>T on transcript NM_001292063.2 (MANE Select); coding-DNA position 5297, C replaced by T.
Protein change: p.Pro1766Leu; replaces proline 1766 with leucine.
Molecular consequence: missense variant.
Genome position (GRCh38, 1-based): chr11:17,610,597, C>T. VCF-style: chr11-17610597-C-T. GRCh37 (hg19) VCF-style: chr11-17632144-C-T.
Other names: c.5333C>T, p.Pro1778Leu (NM_001277269.2); short protein forms P1766L, P1778L.
Identifiers: ClinVar variation 3361344 (VCV003361344.1).
Genomic context (GRCh38, chr11:17,610,597, plus strand): 5'-CCTCTGCACCACCCCGCCCAGCCCAGCATACCACCATGGCCACCAGGTCTCCAGCTCTGC[C>T]CCCAGAGACCCCAGCTGCCGCCAGCCTGTCAACAGCCACTGATGGGCTGGCAGCCACACC-3'
Protein context (NP_001278992.1, residues 1756-1776): TTMATRSPAL[Pro1766Leu]PETPAAASLS